The following is an entry in ClinVar:

ClinVar aggregate classification (germline): Uncertain significance (1 of 4 stars; one submission).

Conditions:
Charcot-Marie-Tooth disease axonal type 2C (HMSN2C). Also called: Charcot-Marie-Tooth Disease Type 2, TRPV4-Related (CMT2C); CHARCOT-MARIE-TOOTH DISEASE, AXONAL, AUTOSOMAL DOMINANT, TYPE 2C; Charcot-Marie-Tooth Neuropathy Type 2C. Identifiers: Orphanet 99937, MedGen C1853710, MONDO:0011633, OMIM 606071.

Allele frequency attached by ClinVar (database versions not stated): gnomAD exomes below 0.00001.

Submission:

Labcorp Genetics (formerly Invitae), Labcorp
Classification: Uncertain significance for Charcot-Marie-Tooth disease axonal type 2C. Last evaluated: 2020-11-14. Review status: criteria provided, single submitter. Criteria: Invitae Variant Classification Sherloc (09022015). Collection method: clinical testing. Allele origin: germline.
Comment: In summary, the available evidence is currently insufficient to determine the role of this variant in disease. Therefore, it has been classified as a Variant of Uncertain Significance. This variant has not been reported in the literature in individuals with TRPV4-related conditions. This variant is not present in population databases (ExAC no frequency). This sequence change creates a premature translational stop signal (p.Ser758Leufs*26) in the TRPV4 gene. It is expected to result in an absent or disrupted protein product. However, the current clinical and genetic evidence is not sufficient to establish whether loss-of-function variants in TRPV4 cause disease.

NM_021625.5(TRPV4):c.2271del (p.Ser758fs)

Gene: TRPV4 (transient receptor potential cation channel subfamily V member 4; minus strand). Cytogenetic location: 12q24.11.
Variant type: Deletion.
Coding change: c.2271del on transcript NM_021625.5 (MANE Select); coding-DNA position 2271, one base deleted (C; older notation c.2271delC).
Protein change: p.Ser758fs; shifts the reading frame from serine 758.
Molecular consequence: frameshift variant.
Genome position (GRCh38, 1-based): chr12:109,786,775, G deleted on the plus strand (C on the coding strand, the reverse complement: TRPV4 is on the minus strand). VCF-style (leftmost placement, unchanged base first): chr12-109786774-AG-A. GRCh37 (hg19) VCF-style: chr12-110224579-AG-A.
Other names: c.1950delC, p.Ser651Leufs (NM_001177433.2); c.2091delC, p.Ser698Leufs (NM_147204.3); c.2130delC, p.Ser711Leufs (NM_001177428.2); c.2169delC, p.Ser724Leufs (NM_001177431.2); short protein forms S651fs, S711fs, S698fs, S758fs, S724fs.
Identifiers: ClinVar variation 1432788 (VCV001432788.6), dbSNP rs1889712036, ClinGen allele CA2062559366.